The following is an entry in ClinVar:

ClinVar aggregate classification (germline): Uncertain significance (1 of 4 stars; one submission).

Conditions:
Autosomal dominant nonsyndromic hearing loss 65. Also called: Deafness, autosomal dominant 65; TBC1D24-Related Autosomal Dominant Nonsyndromic Hearing Loss (DFNA). Identifiers: Orphanet 90635, MedGen C3892048, MONDO:0014470, OMIM 616044.
Developmental and epileptic encephalopathy, 1 (DEE1). Also called: Epileptic encephalopathy, early infantile, 1; X-linked infantile spasms; West's syndrome; Tonic spasms with clustering, arrest of psychomotor development and hypsarrhythmia on EEG; X-Linked Infantile Spasm Syndrome; OHTAHARA SYNDROME, X-LINKED. Identifiers: MedGen C3463992, MONDO:0010632, OMIM 308350. Disease mechanism: loss of function.

Allele frequency attached by ClinVar (database versions not stated): TOPMed 0.00003; gnomAD 0.00003.
gnomAD v4.1: 16 of 1,611,496 alleles (0.00099%); highest among the groups gnomAD compares: Admixed American, 0.0033%; no homozygotes.

Submission:

Labcorp Genetics (formerly Invitae), Labcorp
Classification: Uncertain significance for Developmental and epileptic encephalopathy, 1; Autosomal dominant nonsyndromic hearing loss 65. Last evaluated: 2026-01-28. Review status: criteria provided, single submitter. Criteria: Invitae Variant Classification Sherloc (09022015). Collection method: clinical testing. Allele origin: germline.
Comment: This sequence change replaces arginine, which is basic and polar, with cysteine, which is neutral and slightly polar, at codon 341 of the TBC1D24 protein (p.Arg341Cys). This variant is present in population databases (no rsID available, gnomAD 0.009%). This variant has not been reported in the literature in individuals affected with TBC1D24-related conditions. ClinVar contains an entry for this variant (Variation ID: 660860). Invitae Evidence Modeling of protein sequence and biophysical properties (such as structural, functional, and spatial information, amino acid conservation, physicochemical variation, residue mobility, and thermodynamic stability) indicates that this missense variant is not expected to disrupt TBC1D24 protein function with a negative predictive value of 95%. In summary, the available evidence is currently insufficient to determine the role of this variant in disease. Therefore, it has been classified as a Variant of Uncertain Significance.

NM_001199107.2(TBC1D24):c.1021C>T (p.Arg341Cys)

Gene: TBC1D24 (TBC1 domain family member 24; plus strand). Cytogenetic location: 16p13.3.
Variant type: single nucleotide variant.
Coding change: c.1021C>T on transcript NM_001199107.2 (MANE Select); coding-DNA position 1021, C replaced by T.
Protein change: p.Arg341Cys; replaces arginine 341 with cysteine.
Molecular consequence: missense variant.
Genome position (GRCh38, 1-based): chr16:2,498,275, C>T. VCF-style: chr16-2498275-C-T. GRCh37 (hg19) VCF-style: chr16-2548276-C-T.
Other names: c.1003C>T, p.Arg335Cys (NM_020705.3); short protein forms R335C, R341C.
Identifiers: ClinVar variation 660860 (VCV000660860.9), dbSNP rs1406095259, ClinGen allele CA394378552.
Genomic context (GRCh38, chr16:2,498,275, plus strand): 5'-TGACCCCTGCTCGCTCCCCTCAGGCAGTTTGTACACTTGGCCGTCCATGCAGAGAACTTC[C>T]GCTCGGAGATCGTCAGCGTGAGGGAGATGAGAGACATCTGGTCCTGGGTCCCCGAGCGCT-3'
Protein context (NP_001186036.1, residues 331-351): VHLAVHAENF[Arg341Cys]SEIVSVREMR